The following is an entry in ClinVar:

NM_000090.4(COL3A1):c.3839A>C (p.Asp1280Ala)

Gene: COL3A1 (collagen type III alpha 1 chain; plus strand). Cytogenetic location: 2q32.2.
Variant type: single nucleotide variant.
Coding change: c.3839A>C on transcript NM_000090.4 (MANE Select); coding-DNA position 3839, A replaced by C.
Protein change: p.Asp1280Ala; replaces aspartic acid 1280 with alanine.
Molecular consequence: missense variant.
Genome position (GRCh38, 1-based): chr2:189,010,193, A>C. VCF-style: chr2-189010193-A-C. GRCh37 (hg19) VCF-style: chr2-189874919-A-C.
Other names: short protein forms D1280A.
Identifiers: ClinVar variation 1059775 (VCV001059775.9), dbSNP rs2153504230, ClinGen allele CA349848462.

ClinVar aggregate classification (germline): Uncertain significance (1 of 4 stars; one submission).

Conditions:
Ehlers-Danlos syndrome, type 4 (EDSVASC). Also called: Ehlers-Danlos syndrome vascular type; Ehlers Danlos syndrome, ecchymotic type; Ehlers Danlos syndrome, arterial type; Ehlers Danlos syndrome, Sack-Barabas type; Ehlers-Danlos Syndrome Type IV. Identifiers: Orphanet 286, MedGen C0268338, MONDO:0017314, OMIM 130050.

Submission:

Labcorp Genetics (formerly Invitae), Labcorp
Classification: Uncertain significance for Ehlers-Danlos syndrome, type 4. Last evaluated: 2023-11-15. Review status: criteria provided, single submitter. Criteria: Invitae Variant Classification Sherloc (09022015). Collection method: clinical testing. Allele origin: germline.
Comment: This sequence change replaces aspartic acid, which is acidic and polar, with alanine, which is neutral and non-polar, at codon 1280 of the COL3A1 protein (p.Asp1280Ala). This variant is not present in population databases (gnomAD no frequency). This variant has not been reported in the literature in individuals affected with COL3A1-related conditions. ClinVar contains an entry for this variant (Variation ID: 1059775). Advanced modeling of protein sequence and biophysical properties (such as structural, functional, and spatial information, amino acid conservation, physicochemical variation, residue mobility, and thermodynamic stability) performed at Invitae indicates that this missense variant is expected to disrupt COL3A1 protein function with a positive predictive value of 80%. In summary, the available evidence is currently insufficient to determine the role of this variant in disease. Therefore, it has been classified as a Variant of Uncertain Significance.